The following is an entry in ClinVar:

ClinVar aggregate classification (germline): Uncertain significance (1 of 4 stars; one submission).

Conditions:
RASopathy. Also called: Noonan spectrum disorder; rasopathies. Identifiers: Orphanet 536391, MedGen C5555857, MONDO:0021060.

Submission:

Labcorp Genetics (formerly Invitae), Labcorp
Classification: Uncertain significance for RASopathy. Last evaluated: 2025-12-16. Review status: criteria provided, single submitter. Criteria: Invitae Variant Classification Sherloc (09022015). Collection method: clinical testing. Allele origin: germline.
Comment: This sequence change replaces serine, which is neutral and polar, with asparagine, which is neutral and polar, at codon 26 of the MAP2K2 protein (p.Ser26Asn). This variant is not present in population databases (gnomAD no frequency). This variant has not been reported in the literature in individuals affected with MAP2K2-related conditions. ClinVar contains an entry for this variant (Variation ID: 3608839). Invitae Evidence Modeling of protein sequence and biophysical properties (such as structural, functional, and spatial information, amino acid conservation, physicochemical variation, residue mobility, and thermodynamic stability) has been performed for this missense variant. However, the output from this modeling did not meet the statistical confidence thresholds required to predict the impact of this variant on MAP2K2 protein function. In summary, the available evidence is currently insufficient to determine the role of this variant in disease. Therefore, it has been classified as a Variant of Uncertain Significance.

NM_030662.4(MAP2K2):c.77G>A (p.Ser26Asn)

Genes: MAP2K2 (mitogen-activated protein kinase kinase 2; minus strand), LOC130063193 (ATAC-STARR-seq lymphoblastoid silent region 9881; plus strand). Cytogenetic location: 19p13.3.
Variant type: single nucleotide variant.
Coding change: c.77G>A on transcript NM_030662.4 (MANE Select); coding-DNA position 77, G replaced by A.
Protein change: p.Ser26Asn; replaces serine 26 with asparagine.
Molecular consequence: missense variant.
Genome position (GRCh38, 1-based): chr19:4,123,799, C>T on the plus strand (G>A on the coding strand, the complement: MAP2K2 is on the minus strand). VCF-style: chr19-4123799-C-T. GRCh37 (hg19) VCF-style: chr19-4123796-C-T.
Other names: short protein forms S26N.
Identifiers: ClinVar variation 3608839 (VCV003608839.2).